The following is an entry in ClinVar:

ClinVar aggregate classification (germline): Benign/Likely benign. Review status: criteria provided, multiple submitters, no conflicts (2 of 4 stars). 4 submissions from 4 submitters: Benign (3); Likely benign (1). Last evaluated 2026-01-20.

Allele frequency attached by ClinVar (database versions not stated): TOPMed 0.00038; gnomAD 0.00068 and 0.00082; gnomAD exomes 0.00076 and 0.00129; 1000 Genomes Project 30x 0.00094; 1000 Genomes Project 0.00100; ExAC 0.00138.
gnomAD v4.1: 1,223 of 1,614,102 alleles (0.076%); highest among the groups gnomAD compares: East Asian, 1.4%; 9 homozygotes.

Submissions (4):

Labcorp Genetics (formerly Invitae), Labcorp
Classification: Benign. Last evaluated: 2026-01-20. Review status: criteria provided, single submitter. Criteria: Invitae Variant Classification Sherloc (09022015). Collection method: clinical testing. Allele origin: germline.

Mayo Clinic Laboratories, Mayo Clinic
Classification: Benign. Last evaluated: 2025-03-28. Review status: criteria provided, single submitter. Criteria: ACMG Guidelines, 2015. Collection method: clinical testing. Allele origin: germline. Observed: 1 variant allele.
Comment: BA1, BP4, BP7

Blueprint Genetics
Classification: Likely benign. Last evaluated: 2024-11-21. Review status: criteria provided, single submitter. Criteria: ACMG Guidelines, 2015. Collection method: clinical testing. Allele origin: germline.

GeneDx
Classification: Benign. Last evaluated: 2020-05-13. Review status: criteria provided, single submitter. Criteria: GeneDx Variant Classification Process June 2021. Collection method: clinical testing. Allele origin: germline. Affected: yes.

NM_198999.3(SLC26A5):c.1302A>G (p.Ser434=)

Gene: SLC26A5 (solute carrier family 26 member 5; minus strand). Cytogenetic location: 7q22.1.
Variant type: single nucleotide variant.
Coding change: c.1302A>G on transcript NM_198999.3 (MANE Select); coding-DNA position 1302, A replaced by G.
Protein change: p.Ser434=; no amino-acid change (serine 434 retained).
Molecular consequence: synonymous variant. On other transcripts: non-coding transcript variant (4), intron variant (1).
Genome position (GRCh38, 1-based): chr7:103,390,438, T>C on the plus strand (A>G on the coding strand, the complement: SLC26A5 is on the minus strand). VCF-style: chr7-103390438-T-C. GRCh37 (hg19) VCF-style: chr7-103030885-T-C.
Other names: p.Ser434=; c.1302A>G, p.Ser434= (NM_001167962.2, NM_001321787.2, NM_206883.3 and 1 more transcripts); c.971+7494A>G (NM_206885.3).
Identifiers: ClinVar variation 723288 (VCV000723288.14), dbSNP rs72655380, ClinGen allele CA4419551.
Genomic context (GRCh38, chr7:103,390,438, plus strand): 5'-CAAAATCTCTACACATGAAAAAAACTTCACCCAAGTCCACATTACACACACCTGGGGCAA[T>C]GATTCAAAGAGGAATCCAGTTGCTAATATGACCAGCAGAATCATTAATGAGGCCAAACAA-3'
Protein context (NP_945350.1, residues 424-444): VILATGFLFE[Ser434=]LPQAVLSAIV